The following is an entry in ClinVar:

ClinVar aggregate classification (germline): Pathogenic (1 of 4 stars; one submission).

gnomAD v4.1: 44 of 1,613,428 alleles (0.0027%); highest among the groups gnomAD compares: South Asian, 0.016%; no homozygotes.

Submission:

GeneDx
Classification: Pathogenic. Last evaluated: 2026-03-30. Review status: criteria provided, single submitter. Criteria: GeneDx Variant Classification Process June 2021. Collection method: clinical testing. Allele origin: germline.
Comment: Nonsense variant predicted to result in protein truncation, as the last 1939 amino acids are lost, and other loss-of-function variants have been reported downstream in HGMD; This variant is associated with the following publications: (PMID: 16444271, 39251451, 29056476)

NM_002016.2(FLG):c.6367C>T (p.Gln2123Ter)

Genes: CCDST (cervical cancer associated DHX9 suppressive transcript; plus strand), FLG (filaggrin; minus strand). Cytogenetic location: 1q21.3.
Variant type: single nucleotide variant.
Coding change: c.6367C>T on transcript NM_002016.2 (MANE Select); coding-DNA position 6367, C replaced by T.
Protein change: p.Gln2123Ter; replaces glutamine 2123 with a stop codon.
Molecular consequence: nonsense.
Genome position (GRCh38, 1-based): chr1:152,308,519, G>A on the plus strand (C>T on the coding strand, the complement: FLG is on the minus strand). VCF-style: chr1-152308519-G-A. GRCh37 (hg19) VCF-style: chr1-152280995-G-A.
Other names: short protein forms Q2123*.
Identifiers: ClinVar variation 5016690 (VCV005016690.1).